The following is an entry in ClinVar:

ClinVar aggregate classification (germline): not provided (0 of 4 stars; one submission).

Conditions:
Gestational diabetes mellitus uncontrolled. Identifiers: MedGen C3532257.

Submission:

Institute of Molecular and Cell Biology, University of Tartu
No classification provided. Condition: Gestational diabetes mellitus uncontrolled. Review status: no classification provided. Collection method: case-control. Allele origin: unknown. Affected: yes. Study: Kasak2014.
Comment: The study aimed to determine the contribution of copy number variants in the genetic etiology of normal and complicated pregnancies. The samples represented (i) maternal blood DNA drawn from healthy pregnant women during 1st or 2nd trimester and (ii) maternal and paternal blood DNA drawn at term pregnancy cases representing normal and complicated gestations (severe preeclampsia, PE; gestational diabetes, GD; small-for-gestational age newborn, SGA; large-for-gestational age newborn, LGA). We performed CNV calling based on genome-wide genotyping dataset (Illumina HumanOmniExpress-24-v1 BeadChip) by applying three algorithms, QuantiSNP, GADA (Genome Alteration Detection Algorithm) and CNstream in parallel. The acquired CNV calls were merged with HD-CNV (Hotspot Detector for Copy Number Variants) program and only the CNVs predicted by at least two programs, were considered in subsequent analysis.

Literature cited by the submitters: PubMed 25666259.

NC_000002.12:g.13346653_13396647dup

Variant type: Duplication.
Identifiers: ClinVar variation 156779 (VCV000156779.2).